The following is an entry in ClinVar:

NM_032930.3(CFAP300):c.154C>T (p.Gln52Ter)

Gene: CFAP300 (cilia and flagella associated protein 300; plus strand). Cytogenetic location: 11q22.1.
Variant type: single nucleotide variant.
Coding change: c.154C>T on transcript NM_032930.3 (MANE Select); coding-DNA position 154, C replaced by T.
Protein change: p.Gln52Ter; replaces glutamine 52 with a stop codon.
Molecular consequence: nonsense.
Genome position (GRCh38, 1-based): chr11:102,047,858, C>T. VCF-style: chr11-102047858-C-T. GRCh37 (hg19) VCF-style: chr11-101918589-C-T.
Other names: CFAP300, GLN52TER (rs767760877); c.154C>T, p.Gln52Ter (NM_001195005.2, NM_001363505.2); short protein forms Q52*.
Identifiers: ClinVar variation 549860 (VCV000549860.5), dbSNP rs767760877, ClinGen allele CA6245908.
Genomic context (GRCh38, chr11:102,047,858, plus strand): 5'-TTCCTCCTCTGCCCCAGGTCCATGCTGGGCAGAATCAAGGCGCAGGCGTTCGGCTTTGAC[C>T]AGACCTTTCAGTCCTATCGGAAGGATGATTTCGTTATGGTTAGTATGGGGGTCGGAGAGT-3'

ClinVar aggregate classification (germline): Pathogenic. Review status: criteria provided, multiple submitters, no conflicts (2 of 4 stars). 3 submissions from 3 submitters: Pathogenic (2). 1 of the submissions does not count toward it. Last evaluated 2025-09-25.

Conditions:
Ciliary dyskinesia, primary, 38 (CILD38). Also called: CILIARY DYSKINESIA, PRIMARY, 38, WITH OR WITHOUT SITUS INVERSUS. Identifiers: MedGen C4748052, MONDO:0054843, OMIM 618063.

Allele frequency attached by ClinVar (database versions not stated): ExAC 0.00002.
gnomAD v4.1: 11 of 1,614,190 alleles (0.00068%); highest among the groups gnomAD compares: South Asian, 0.012%; no homozygotes.

Submissions (3):

Labcorp Genetics (formerly Invitae), Labcorp
Classification: Pathogenic. Last evaluated: 2025-09-25. Review status: criteria provided, single submitter. Criteria: Invitae Variant Classification Sherloc (09022015). Collection method: clinical testing. Allele origin: germline.
Comment: This sequence change creates a premature translational stop signal (p.Gln52*) in the C11orf70 gene. It is expected to result in an absent or disrupted protein product. Loss-of-function variants in C11orf70 are known to be pathogenic (PMID: 29727692, 29727693). This variant is present in population databases (rs767760877, gnomAD 0.01%). This premature translational stop signal has been observed in individual(s) with primary ciliary dyskinesia (PMID: 29727692). ClinVar contains an entry for this variant (Variation ID: 549860). For these reasons, this variant has been classified as Pathogenic.

First Genomix Gene Laboratory, Genetic Diagnostics Department
Classification: Pathogenic for Ciliary dyskinesia, primary, 38. Last evaluated: 2025-09-16. Review status: criteria provided, single submitter. Criteria: ACMG Guidelines, 2015. Collection method: clinical testing. Allele origin: germline. Inheritance: Autosomal recessive inheritance. Affected: no. Observed: 1 variant allele.

OMIM
Classification: Pathogenic for CILIARY DYSKINESIA, PRIMARY, 38. Last evaluated: 2018-07-31. Review status: no assertion criteria provided. Collection method: literature only. Allele origin: germline. Not counted in ClinVar's aggregate classification.

Literature cited by the submitters: PubMed 29727692 (cited by Labcorp Genetics (formerly Invitae), Labcorp and OMIM); PubMed 29727693 (cited by Labcorp Genetics (formerly Invitae), Labcorp).